The following is an entry in ClinVar:

NM_000136.2(FANCC):c.-78-?_250+?del

Gene: FANCC (FA complementation group C; minus strand). Cytogenetic location: 9q22.32.
Variant type: Deletion.
Coding change: c.-78-?_250+?del on transcript NM_000136.2.
Other names: c.-78-?_250+?del (LRG_497t1).
Identifiers: ClinVar variation 237062 (VCV000237062.1).

ClinVar aggregate classification (germline): Pathogenic (1 of 4 stars; one submission).

Conditions:
Fanconi anemia (FA). Also called: Fanconi's anemia. Identifiers: Orphanet 84, MedGen C0015625, MeSH D005199, MONDO:0019391.

Submission:

Labcorp Genetics (formerly Invitae), Labcorp
Classification: Pathogenic for Fanconi anemia. Last evaluated: 2016-04-12. Review status: criteria provided, single submitter. Criteria: Invitae Variant Classification Sherloc (09022015). Collection method: clinical testing. Allele origin: germline.
Comment: This variant is a gross deletion of the genomic region encompassing exons 2-3 of the FANCC gene, which includes the initiator codon. The 5' end of this event is unknown as it extends beyond the assayed region for this gene and therefore may encompass additional genes. The 3' boundary is likely confined to intron 3 of the FANCC gene. Truncating variants in FANCC are known to be pathogenic. This particular truncation has been reported in the literature in 2 siblings with Cafe-au-lait spots, malrotated kidney, ureter duplication, microphallus harbouring another mutation (c.165+1G>T) inherited paternally and ex 2-3 deletion inherited maternally (PMID: 20869034). This deletion is also known as( c.1-250del) in the literature. For these reasons, this variant has been classified as Pathogenic.